The following is an entry in ClinVar:

ClinVar aggregate classification (germline): Uncertain significance (1 of 4 stars; one submission).

Conditions:
Congenital sideroblastic anemia-B-cell immunodeficiency-periodic fever-developmental delay syndrome. Also called: Sideroblastic anemia with B-cell immunodeficiency, periodic fevers, and developmental delay. Identifiers: Orphanet 369861, MedGen C4015172, MONDO:0014487, OMIM 616084.

gnomAD v4.1: 2 of 1,613,728 alleles (0.00012%); highest among the groups gnomAD compares: Non-Finnish European, 0.00017%; no homozygotes.

Submission:

Labcorp Genetics (formerly Invitae), Labcorp
Classification: Uncertain significance for Congenital sideroblastic anemia-B-cell immunodeficiency-periodic fever-developmental delay syndrome. Last evaluated: 2022-11-01. Review status: criteria provided, single submitter. Criteria: Invitae Variant Classification Sherloc (09022015). Collection method: clinical testing. Allele origin: germline.
Comment: This sequence change replaces glutamine, which is neutral and polar, with glutamic acid, which is acidic and polar, at codon 414 of the TRNT1 protein (p.Gln414Glu). This variant is not present in population databases (gnomAD no frequency). This variant has not been reported in the literature in individuals affected with TRNT1-related conditions. ClinVar contains an entry for this variant (Variation ID: 836921). Advanced modeling of protein sequence and biophysical properties (such as structural, functional, and spatial information, amino acid conservation, physicochemical variation, residue mobility, and thermodynamic stability) performed at Invitae indicates that this missense variant is not expected to disrupt TRNT1 protein function. In summary, the available evidence is currently insufficient to determine the role of this variant in disease. Therefore, it has been classified as a Variant of Uncertain Significance.

NM_182916.3(TRNT1):c.1240C>G (p.Gln414Glu)

Gene: TRNT1 (tRNA nucleotidyl transferase 1; plus strand). Cytogenetic location: 3p26.2.
Variant type: single nucleotide variant.
Coding change: c.1240C>G on transcript NM_182916.3 (MANE Select); coding-DNA position 1240, C replaced by G.
Protein change: p.Gln414Glu; replaces glutamine 414 with glutamic acid.
Molecular consequence: missense variant. On other transcripts: non-coding transcript variant (8).
Genome position (GRCh38, 1-based): chr3:3,148,089, C>G. VCF-style: chr3-3148089-C-G. GRCh37 (hg19) VCF-style: chr3-3189773-C-G.
Other names: c.1180C>G, p.Gln394Glu (NM_001302946.2); c.1240C>G, p.Gln414Glu (NM_001367321.1, NM_001367322.1, NM_001367323.1); short protein forms Q414E, Q394E.
Identifiers: ClinVar variation 836921 (VCV000836921.6), dbSNP rs764603508, ClinGen allele CA351449102.